The following is an entry in ClinVar:

NM_006767.4(LZTR1):c.1447C>T (p.Gln483Ter)

Gene: LZTR1 (leucine zipper like post translational regulator 1; plus strand). Cytogenetic location: 22q11.21.
Variant type: single nucleotide variant.
Coding change: c.1447C>T on transcript NM_006767.4 (MANE Select); coding-DNA position 1447, C replaced by T.
Protein change: p.Gln483Ter; replaces glutamine 483 with a stop codon.
Molecular consequence: nonsense.
Genome position (GRCh38, 1-based): chr22:20,994,017, C>T. VCF-style: chr22-20994017-C-T. GRCh37 (hg19) VCF-style: chr22-21348306-C-T.
Other names: short protein forms Q483*.
Identifiers: ClinVar variation 809331 (VCV000809331.51), dbSNP rs752547717, ClinGen allele CA10118888.

ClinVar aggregate classification (germline): Pathogenic/Likely pathogenic. Review status: criteria provided, multiple submitters, no conflicts (2 of 4 stars). 4 submissions from 4 submitters: Pathogenic (2); Likely pathogenic (2). Last evaluated 2025-11-13.

Conditions:
Hereditary cancer-predisposing syndrome. Also called: Tumor predisposition; Hereditary neoplastic syndrome; Neoplastic Syndromes, Hereditary; Hereditary Cancer Syndrome. Identifiers: Orphanet 140162, MedGen C0027672, MeSH D009386, MONDO:0015356.
Cardiovascular phenotype. Identifiers: MedGen CN230736.

Allele frequency attached by ClinVar (database versions not stated): gnomAD exomes below 0.00001; ExAC 0.00001.
gnomAD v4.1: 4 of 1,606,292 alleles (0.00025%); highest among the groups gnomAD compares: Non-Finnish European, 0.00034%; no homozygotes.

Submissions (4):

Labcorp Genetics (formerly Invitae), Labcorp
Classification: Pathogenic. Last evaluated: 2025-11-13. Review status: criteria provided, single submitter. Criteria: Invitae Variant Classification Sherloc (09022015). Collection method: clinical testing. Allele origin: germline.
Comment: This sequence change creates a premature translational stop signal (p.Gln483*) in the LZTR1 gene. It is expected to result in an absent or disrupted protein product. Loss-of-function variants in LZTR1 are known to be pathogenic (PMID: 24362817, 25335493, 25480913, 25795793, 29469822, 30368668, 30442762, 30442766, 30481304, 30859559). This variant is present in population databases (rs752547717, gnomAD 0.001%). This variant has not been reported in the literature in individuals affected with LZTR1-related conditions. ClinVar contains an entry for this variant (Variation ID: 809331). Algorithms developed to predict the effect of sequence changes on RNA splicing suggest that this variant may disrupt the consensus splice site. For these reasons, this variant has been classified as Pathogenic.

Dasa
Classification: Likely pathogenic. Last evaluated: 2025-11-01. Review status: criteria provided, single submitter. Criteria: DASA Assertion Criteria. Collection method: clinical testing. Allele origin: germline.
Comment: NM_006767.4(LZTR1):c.1447C>T (p.Gln483*) is a nonsense variant in LZTR1 predicted to introduce a premature termination codon and is predicted to result in an absent or altered protein product. Loss of function is an established disease mechanism for LZTR1-associated disorders. Also, this variant is rare in population databases. Based on the currently available evidence, this variant is classified as likely pathogenic.

Ambry Genetics
Classification: Pathogenic for Cardiovascular phenotype; Hereditary cancer-predisposing syndrome. Last evaluated: 2025-08-07. Review status: criteria provided, single submitter. Criteria: Ambry Variant Classification Scheme 2023. Collection method: clinical testing. Allele origin: germline.
Comment: The p.Q483* pathogenic mutation (also known as c.1447C>T), located in coding exon 13 of the LZTR1 gene, results from a C to T substitution at nucleotide position 1447. This changes the amino acid from a glutamine to a stop codon within coding exon 13. This alteration is expected to result in loss of function by premature protein truncation or nonsense-mediated mRNA decay. Loss-of-function variants in LZTR1 are related to an increased risk for schwannomas and autosomal recessive Noonan syndrome; however, such associations with autosomal dominant Noonan syndrome have not been observed (Piotrowski A et al. Nat Genet. 2014 Feb;46:182-7; Yamamoto GL et al. J Med Genet. 2015 Jun;52:413-21; Johnston JJ et al. Genet Med. 2018 10;20:1175-1185). Based on the supporting evidence, this variant is pathogenic for an increased risk of LZTR1-related schwannomatosis (SWN) and would be expected to cause autosomal recessive Noonan syndrome when present along with a second pathogenic or likely pathogenic variant on the other allele; however, the association of this alteration with autosomal dominant Noonan syndrome is unlikely.

CeGaT Center for Human Genetics Tuebingen
Classification: Likely pathogenic. Last evaluated: 2019-06-01. Review status: criteria provided, single submitter. Criteria: CeGaT Center For Human Genetics Tuebingen Variant Classification Criteria Version 2. Collection method: clinical testing. Allele origin: germline. Affected: yes. Observed: 2 variant alleles.

Literature cited by the submitters: PubMed 24362817 (cited by Labcorp Genetics (formerly Invitae), Labcorp); PubMed 25335493 (cited by Labcorp Genetics (formerly Invitae), Labcorp); PubMed 25480913 (cited by Labcorp Genetics (formerly Invitae), Labcorp); PubMed 25795793 (cited by Labcorp Genetics (formerly Invitae), Labcorp); PubMed 29469822 (cited by Labcorp Genetics (formerly Invitae), Labcorp); PubMed 30368668 (cited by Labcorp Genetics (formerly Invitae), Labcorp); PubMed 30442762 (cited by Labcorp Genetics (formerly Invitae), Labcorp); PubMed 30442766 (cited by Labcorp Genetics (formerly Invitae), Labcorp); PubMed 30481304 (cited by Labcorp Genetics (formerly Invitae), Labcorp); PubMed 30859559 (cited by Labcorp Genetics (formerly Invitae), Labcorp).